The following is an entry in ClinVar:

ClinVar aggregate classification (germline): Uncertain significance (1 of 4 stars; one submission).

Submission:

Labcorp Genetics (formerly Invitae), Labcorp
Classification: Uncertain significance. Last evaluated: 2024-10-06. Review status: criteria provided, single submitter. Criteria: Invitae Variant Classification Sherloc (09022015). Collection method: clinical testing. Allele origin: germline.
Comment: This sequence change replaces lysine, which is basic and polar, with asparagine, which is neutral and polar, at codon 179 of the RPL15 protein (p.Lys179Asn). This variant is not present in population databases (gnomAD no frequency). This variant has not been reported in the literature in individuals affected with RPL15-related conditions. An algorithm developed to predict the effect of missense changes on protein structure and function (PolyPhen-2) suggests that this variant is likely to be tolerated. In summary, the available evidence is currently insufficient to determine the role of this variant in disease. Therefore, it has been classified as a Variant of Uncertain Significance.

NM_002948.5(RPL15):c.537G>C (p.Lys179Asn)

Genes: NKIRAS1 (NFKB inhibitor interacting Ras like 1; minus strand), RPL15 (ribosomal protein L15; plus strand). Cytogenetic location: 3p24.2.
Variant type: single nucleotide variant.
Coding change: c.537G>C on transcript NM_002948.5 (MANE Select); coding-DNA position 537, G replaced by C.
Protein change: p.Lys179Asn; replaces lysine 179 with asparagine.
Molecular consequence: missense variant. On other transcripts: intron variant (2).
Genome position (GRCh38, 1-based): chr3:23,919,423, G>C. VCF-style: chr3-23919423-G-C. GRCh37 (hg19) VCF-style: chr3-23960914-G-C.
Other names: c.537G>C, p.Lys179Asn (NM_001253379.2, NM_001253380.2, NM_001253382.2 and 1 more transcripts); c.-139-7973C>G (NM_001377380.1); c.360+177G>C (NM_001253384.2); short protein forms K179N.
Identifiers: ClinVar variation 3677887 (VCV003677887.2).
Genomic context (GRCh38, chr3:23,919,423, plus strand): 5'-GGAGATGCGTGGGCTGACATCTGCAGGCCGAAAGAGCCGTGGCCTTGGAAAGGGCCACAA[G>C]TTCCACCACACTATTGGTGGCTCTCGCCGGGCAGCTTGGAGAAGGCGCAATACTCTCCAG-3'
Protein context (NP_002939.2, residues 169-189): RKSRGLGKGH[Lys179Asn]FHHTIGGSRR